The following is an entry in ClinVar:

NM_001242957.3(MAK):c.1215T>C (p.Asp405=)

Gene: MAK (male germ cell associated kinase; minus strand). Cytogenetic location: 6p24.2.
Variant type: single nucleotide variant.
Coding change: c.1215T>C on transcript NM_001242957.3 (MANE Select); coding-DNA position 1215, T replaced by C.
Protein change: p.Asp405=; no amino-acid change (aspartic acid 405 retained).
Molecular consequence: synonymous variant. On other transcripts: non-coding transcript variant (2).
Genome position (GRCh38, 1-based): chr6:10,791,776, A>G on the plus strand (T>C on the coding strand, the complement: MAK is on the minus strand). VCF-style: chr6-10791776-A-G. GRCh37 (hg19) VCF-style: chr6-10792009-A-G.
Other names: c.1215T>C (NM_001242957.2); c.1215T>C, p.Asp405= (NM_001242385.2, NM_005906.6); c.1113T>C, p.Asp371= (NM_001377262.1).
Identifiers: ClinVar variation 1985801 (VCV001985801.6), dbSNP rs148549681, ClinGen allele CA3633515.

ClinVar aggregate classification (germline): Likely benign. Review status: criteria provided, multiple submitters, no conflicts (2 of 4 stars). 3 submissions from 3 submitters: Likely benign (3). Last evaluated 2025-04-11.

Conditions:
MAK-related disorder. Also called: MAK-related condition.

Allele frequency attached by ClinVar (database versions not stated): gnomAD exomes 0.00001; ExAC 0.00002; ESP Exome Variant Server 0.00008; TOPMed 0.00015; gnomAD 0.00017.
gnomAD v4.1: 35 of 1,613,952 alleles (0.0022%); highest among the groups gnomAD compares: African/African-American, 0.044%; no homozygotes.

Submissions (3):

PreventionGenetics, part of Exact Sciences
Classification: Likely benign for MAK-related condition. Last evaluated: 2025-04-11. Review status: criteria provided, single submitter. Criteria: ACMG Guidelines, 2015. Collection method: clinical testing. Allele origin: germline.
Comment: This variant is classified as likely benign based on ACMG/AMP sequence variant interpretation guidelines (Richards et al. 2015 PMID: 25741868, with internal and published modifications).

Labcorp Genetics (formerly Invitae), Labcorp
Classification: Likely benign. Last evaluated: 2025-03-07. Review status: criteria provided, single submitter. Criteria: Invitae Variant Classification Sherloc (09022015). Collection method: clinical testing. Allele origin: germline.

Blueprint Genetics
Classification: Likely benign. Last evaluated: 2024-04-29. Review status: criteria provided, single submitter. Criteria: ACMG Guidelines, 2015. Collection method: clinical testing. Allele origin: germline.